The following is an entry in ClinVar:

ClinVar aggregate classification (germline): Uncertain significance (1 of 4 stars; one submission).

Submission:

GeneDx
Classification: Uncertain significance. Last evaluated: 2019-06-28. Review status: criteria provided, single submitter. Criteria: GeneDx Variant Classification Process June 2021. Collection method: clinical testing. Allele origin: germline. Affected: yes.
Comment: Has not been previously published as pathogenic or benign to our knowledge; Not observed in large population cohorts (Lek et al., 2016); In silico analysis, which includes protein predictors and evolutionary conservation, supports that this variant does not alter protein structure/function

NM_007118.4(TRIO):c.5229C>G (p.Asp1743Glu)

Gene: TRIO (trio Rho guanine nucleotide exchange factor; plus strand). Cytogenetic location: 5p15.2.
Variant type: single nucleotide variant.
Coding change: c.5229C>G on transcript NM_007118.4 (MANE Select); coding-DNA position 5229, C replaced by G.
Protein change: p.Asp1743Glu; replaces aspartic acid 1743 with glutamic acid.
Molecular consequence: missense variant. On other transcripts: non-coding transcript variant (1).
Genome position (GRCh38, 1-based): chr5:14,461,044, C>G. VCF-style: chr5-14461044-C-G. GRCh37 (hg19) VCF-style: chr5-14461153-C-G.
Other names: short protein forms D1743E.
Identifiers: ClinVar variation 1306797 (VCV001306797.2), dbSNP rs757662406, ClinGen allele CA359226230.